The following is an entry in ClinVar:

NM_007214.5(SEC63):c.250G>A (p.Ala84Thr)

Gene: SEC63 (SEC63 protein translocation regulator; minus strand). Cytogenetic location: 6q21.
Variant type: single nucleotide variant.
Coding change: c.250G>A on transcript NM_007214.5 (MANE Select); coding-DNA position 250, G replaced by A.
Protein change: p.Ala84Thr; replaces alanine 84 with threonine.
Molecular consequence: missense variant.
Genome position (GRCh38, 1-based): chr6:107,924,907, C>T on the plus strand (G>A on the coding strand, the complement: SEC63 is on the minus strand). VCF-style: chr6-107924907-C-T. GRCh37 (hg19) VCF-style: chr6-108246111-C-T.
Other names: short protein forms A84T.
Identifiers: ClinVar variation 2751454 (VCV002751454.3), dbSNP rs1395002359, ClinGen allele CA365188804.
Genomic context (GRCh38, chr6:107,924,907, plus strand): 5'-TGTATTCTTGGTATTCTCGGTCTGTTTTGGAAACTTTATATGCAAGGAATAAGAACAATG[C>T]CCATCCTGCAAGCAGAACTATTTTCCTGTTTAGGAAAAAGGTAAGTGAATCATAAACAAA-3'
Protein context (NP_009145.1, residues 74-94): VKKIVLLAGW[Ala84Thr]LFLFLAYKVS

ClinVar aggregate classification (germline): Uncertain significance (1 of 4 stars; one submission).

gnomAD v4.1: 1 of 1,595,136 alleles (0.000063%); highest among the groups gnomAD compares: Non-Finnish European, 0.000086%; no homozygotes.

Submission:

Labcorp Genetics (formerly Invitae), Labcorp
Classification: Uncertain significance. Last evaluated: 2023-06-16. Review status: criteria provided, single submitter. Criteria: Invitae Variant Classification Sherloc (09022015). Collection method: clinical testing. Allele origin: germline.
Comment: This variant has not been reported in the literature in individuals affected with SEC63-related conditions. An algorithm developed to predict the effect of missense changes on protein structure and function (PolyPhen-2) suggests that this variant is likely to be tolerated. This variant is not present in population databases (gnomAD no frequency). This sequence change replaces alanine, which is neutral and non-polar, with threonine, which is neutral and polar, at codon 84 of the SEC63 protein (p.Ala84Thr). In summary, the available evidence is currently insufficient to determine the role of this variant in disease. Therefore, it has been classified as a Variant of Uncertain Significance.